The following is an entry in ClinVar:

NM_003235.5(TG):c.3694_3697dup (p.Thr1233fs)

Gene: TG (thyroglobulin; plus strand). Cytogenetic location: 8q24.22.
Variant type: Microsatellite.
Coding change: c.3694_3697dup on transcript NM_003235.5 (MANE Select); coding-DNA positions 3694 to 3697, 4 bases duplicated (GAGA; older notation c.3694_3697dupGAGA).
Protein change: p.Thr1233fs; shifts the reading frame from threonine 1233.
Molecular consequence: frameshift variant.
Genome position (GRCh38, 1-based): chr8:132,906,747-132,906,750, GAGA duplicated. VCF-style (leftmost placement, unchanged base first): chr8-132906746-T-TGAGA. GRCh37 (hg19) VCF-style: chr8-133918991-T-TGAGA.
Other names: short protein forms T1233fs.
Identifiers: ClinVar variation 2853633 (VCV002853633.3), dbSNP rs2490142615, ClinGen allele CA2688648126.

ClinVar aggregate classification (germline): Pathogenic (1 of 4 stars; one submission).

Submission:

Labcorp Genetics (formerly Invitae), Labcorp
Classification: Pathogenic. Last evaluated: 2023-04-08. Review status: criteria provided, single submitter. Criteria: Invitae Variant Classification Sherloc (09022015). Collection method: clinical testing. Allele origin: germline.
Comment: For these reasons, this variant has been classified as Pathogenic. This variant has not been reported in the literature in individuals affected with TG-related conditions. This variant is not present in population databases (gnomAD no frequency). This sequence change creates a premature translational stop signal (p.Thr1233Argfs*34) in the TG gene. It is expected to result in an absent or disrupted protein product. Loss-of-function variants in TG are known to be pathogenic (PMID: 19837936, 23164529).

Literature cited by the submitters: PubMed 19837936; PubMed 23164529.